The following is an entry in ClinVar:

NM_002857.4(PEX19):c.70+2T>G

Gene: PEX19 (peroxisomal biogenesis factor 19; minus strand). Cytogenetic location: 1q23.2.
Variant type: single nucleotide variant.
Coding change: c.70+2T>G on transcript NM_002857.4 (MANE Select); the canonical splice donor site of the intron after coding-DNA position 70, T replaced by G.
Molecular consequence: splice donor variant.
Genome position (GRCh38, 1-based): chr1:160,285,053, A>C on the plus strand (T>G on the coding strand, the complement: PEX19 is on the minus strand). VCF-style: chr1-160285053-A-C. GRCh37 (hg19) VCF-style: chr1-160254843-A-C.
Other names: c.70+2T>G (NM_001193644.1).
Identifiers: ClinVar variation 2122971 (VCV002122971.4), dbSNP rs113227300, ClinGen allele CA343265739.
Genomic context (GRCh38, chr1:160,285,053, plus strand): 5'-TAACCCCCAGAATGGGTCCTCACACGTGCCCTCTTCGGGCCTTTCCCACTATGGGCTCTT[A>C]CTTTCCAGAAGCTCCTCCAATTCCCTGTCCGCTTCGGCCCCGACACTACAGCCTTCCTCA-3'

ClinVar aggregate classification (germline): Likely pathogenic (1 of 4 stars; one submission).

Conditions:
Peroxisome biogenesis disorder 12A (Zellweger). Also called: Peroxisome biogenesis disorder 12A. Identifiers: Orphanet 912, MedGen C3554002, MONDO:0013951, OMIM 614886.

Submission:

Labcorp Genetics (formerly Invitae), Labcorp
Classification: Likely pathogenic for Peroxisome biogenesis disorder 12A (Zellweger). Last evaluated: 2022-04-08. Review status: criteria provided, single submitter. Criteria: Invitae Variant Classification Sherloc (09022015). Collection method: clinical testing. Allele origin: germline.
Comment: This variant has not been reported in the literature in individuals affected with PEX19-related conditions. In summary, the currently available evidence indicates that the variant is pathogenic, but additional data are needed to prove that conclusively. Therefore, this variant has been classified as Likely Pathogenic. Algorithms developed to predict the effect of sequence changes on RNA splicing suggest that this variant may disrupt the consensus splice site. This variant is not present in population databases (gnomAD no frequency). This sequence change affects a donor splice site in intron 1 of the PEX19 gene. It is expected to disrupt RNA splicing. Variants that disrupt the donor or acceptor splice site typically lead to a loss of protein function (PMID: 16199547), and loss-of-function variants in PEX19 are known to be pathogenic (PMID: 10051604, 20683989, 21031596).

Literature cited by the submitters: PubMed 16199547; PubMed 10051604; PubMed 20683989; PubMed 21031596.